The following is an entry in ClinVar:

ClinVar aggregate classification (germline): Likely pathogenic (1 of 4 stars; one submission).

Submission:

GeneDx
Classification: Likely pathogenic. Last evaluated: 2016-01-14. Review status: criteria provided, single submitter. Criteria: GeneDx Variant Classification (06012015). Collection method: clinical testing. Allele origin: germline. Affected: yes.
Comment: Although the C1646G likely pathogenic variant in the FBN1 gene has not been reported to our knowledge, missense variants affecting this same residue (C1646R, C1646Y) have been reported in association with Marfan-like syndrome or ectopia lentis (Pepe et al., 2007; Lerner-Ellis et al., 2014). Additionally, missense variants in nearby residues (D1642G, D1648N, C1652Y) have been reported in the Human Gene Mutation Database in association with Marfan syndrome (Stenson et al., 2014), further supporting the functional importance of this residue and this region of the protein. The C1646G variant results in a non-conservative amino acid substitution at a position that is conserved across species. Consequently, in silico analysis predicts this variant to be damaging to the protein structure/function. Moreover, the C1646G variant affects a Cysteine residue within the calcium-binding EGF-like domain 27 of the FBN1 gene, which may affect disulfide bonding and is predicted to alter the structure and function of the protein. Cysteine substitutions in the calcium-binding EGF-like domains represent the majority of pathogenic missense changes associated with Marfan syndrome (Collod-Beroud et al., 2003). Furthermore, C1646G was not observed in approximately 6,500 individuals of European and African American ancestry in the NHLBI Exome Sequencing Project, indicating it is not a common benign variant in these populations.

NM_000138.5(FBN1):c.4936T>G (p.Cys1646Gly)

Gene: FBN1 (fibrillin 1; minus strand). Cytogenetic location: 15q21.1.
Variant type: single nucleotide variant.
Coding change: c.4936T>G on transcript NM_000138.5 (MANE Select); coding-DNA position 4936, T replaced by G.
Protein change: p.Cys1646Gly; replaces cysteine 1646 with glycine.
Molecular consequence: missense variant.
Genome position (GRCh38, 1-based): chr15:48,465,574, A>C on the plus strand (T>G on the coding strand, the complement: FBN1 is on the minus strand). VCF-style: chr15-48465574-A-C. GRCh37 (hg19) VCF-style: chr15-48757771-A-C.
Other names: short protein forms C1646G.
Identifiers: ClinVar variation 418197 (VCV000418197.2), dbSNP rs1064793115, ClinGen allele CA16619955.